The following is an entry in ClinVar:

NM_198859.4(PRICKLE2):c.437C>T (p.Ala146Val)

Gene: PRICKLE2 (prickle planar cell polarity protein 2; minus strand). Cytogenetic location: 3p14.1.
Variant type: single nucleotide variant.
Coding change: c.437C>T on transcript NM_198859.4 (MANE Select); coding-DNA position 437, C replaced by T.
Protein change: p.Ala146Val; replaces alanine 146 with valine.
Molecular consequence: missense variant.
Genome position (GRCh38, 1-based): chr3:64,157,325, G>A on the plus strand (C>T on the coding strand, the complement: PRICKLE2 is on the minus strand). VCF-style: chr3-64157325-G-A. GRCh37 (hg19) VCF-style: chr3-64143001-G-A.
Other names: c.437C>T, p.Ala146Val (NM_001370528.1); short protein forms A146V.
Identifiers: ClinVar variation 836728 (VCV000836728.8), dbSNP rs369686744, ClinGen allele CA2479817.

ClinVar aggregate classification (germline): Uncertain significance. Review status: criteria provided, multiple submitters, no conflicts (2 of 4 stars). 2 submissions from 2 submitters: Uncertain significance (2). Last evaluated 2025-03-25.

Conditions:
Progressive myoclonic epilepsy type 5. Identifiers: Orphanet 402082, MedGen C5190799.

Allele frequency attached by ClinVar (database versions not stated): ExAC 0.00007; gnomAD exomes 0.00007 and 0.00014; ESP Exome Variant Server 0.00008; TOPMed 0.00012.
gnomAD v4.1: 218 of 1,613,606 alleles (0.014%); highest among the groups gnomAD compares: Non-Finnish European, 0.017%; no homozygotes.

Submissions (2):

Labcorp Genetics (formerly Invitae), Labcorp
Classification: Uncertain significance for Progressive myoclonic epilepsy type 5. Last evaluated: 2025-03-25. Review status: criteria provided, single submitter. Criteria: Invitae Variant Classification Sherloc (09022015). Collection method: clinical testing. Allele origin: germline.
Comment: This sequence change replaces alanine, which is neutral and non-polar, with valine, which is neutral and non-polar, at codon 146 of the PRICKLE2 protein (p.Ala146Val). This variant is present in population databases (rs369686744, gnomAD 0.01%). This variant has not been reported in the literature in individuals affected with PRICKLE2-related conditions. ClinVar contains an entry for this variant (Variation ID: 836728). Invitae Evidence Modeling of protein sequence and biophysical properties (such as structural, functional, and spatial information, amino acid conservation, physicochemical variation, residue mobility, and thermodynamic stability) indicates that this missense variant is not expected to disrupt PRICKLE2 protein function with a negative predictive value of 80%. In summary, the available evidence is currently insufficient to determine the role of this variant in disease. Therefore, it has been classified as a Variant of Uncertain Significance.

Ambry Genetics
Classification: Uncertain significance. Last evaluated: 2023-12-19. Review status: criteria provided, single submitter. Criteria: Ambry Variant Classification Scheme 2023. Collection method: clinical testing. Allele origin: germline.